The following is an entry in ClinVar:

NM_032444.4(SLX4):c.5291C>T (p.Pro1764Leu)

Gene: SLX4 (SLX4 structure-specific endonuclease subunit; minus strand). Cytogenetic location: 16p13.3.
Variant type: single nucleotide variant.
Coding change: c.5291C>T on transcript NM_032444.4 (MANE Select); coding-DNA position 5291, C replaced by T.
Protein change: p.Pro1764Leu; replaces proline 1764 with leucine.
Molecular consequence: missense variant.
Genome position (GRCh38, 1-based): chr16:3,582,556, G>A on the plus strand (C>T on the coding strand, the complement: SLX4 is on the minus strand). VCF-style: chr16-3582556-G-A. GRCh37 (hg19) VCF-style: chr16-3632557-G-A.
Other names: c.5291C>T (NM_032444.2); short protein forms P1764L.
Identifiers: ClinVar variation 1432851 (VCV001432851.9), dbSNP rs1031274414, ClinGen allele CA276951944.

ClinVar aggregate classification (germline): Uncertain significance. Review status: criteria provided, multiple submitters, no conflicts (2 of 4 stars). 4 submissions from 4 submitters: Uncertain significance (4). Last evaluated 2025-10-01.

Conditions:
Fanconi anemia (FA). Also called: Fanconi's anemia. Identifiers: Orphanet 84, MedGen C0015625, MeSH D005199, MONDO:0019391.
Fanconi anemia complementation group P. Also called: SLX4-Related Fanconi Anemia. Identifiers: Orphanet 84, MedGen C3469542, MONDO:0013499, OMIM 613951.
Inborn genetic diseases. Identifiers: MedGen C0950123, MeSH D030342.

Allele frequency attached by ClinVar (database versions not stated): gnomAD exomes below 0.00001 and 0.00001; gnomAD 0.00003 and 0.00004; TOPMed 0.00003.
gnomAD v4.1: 22 of 1,613,710 alleles (0.0014%); highest among the groups gnomAD compares: Admixed American, 0.005%; no homozygotes.

Submissions (4):

Ambry Genetics
Classification: Uncertain significance for Inborn genetic diseases. Last evaluated: 2025-10-01. Review status: criteria provided, single submitter. Criteria: Ambry Variant Classification Scheme 2023. Collection method: clinical testing. Allele origin: germline.

Labcorp Genetics (formerly Invitae), Labcorp
Classification: Uncertain significance for Fanconi anemia. Last evaluated: 2024-09-22. Review status: criteria provided, single submitter. Criteria: Invitae Variant Classification Sherloc (09022015). Collection method: clinical testing. Allele origin: germline.
Comment: This sequence change replaces proline, which is neutral and non-polar, with leucine, which is neutral and non-polar, at codon 1764 of the SLX4 protein (p.Pro1764Leu). This variant is present in population databases (no rsID available, gnomAD 0.003%). This variant has not been reported in the literature in individuals affected with SLX4-related conditions. ClinVar contains an entry for this variant (Variation ID: 1432851). An algorithm developed to predict the effect of missense changes on protein structure and function (PolyPhen-2) suggests that this variant is likely to be disruptive. In summary, the available evidence is currently insufficient to determine the role of this variant in disease. Therefore, it has been classified as a Variant of Uncertain Significance.

Fulgent Genetics
Classification: Uncertain significance for Fanconi anemia complementation group P. Last evaluated: 2022-01-31. Review status: criteria provided, single submitter. Criteria: ACMG Guidelines, 2015. Collection method: clinical testing. Allele origin: unknown.

Breakthrough Genomics
Classification: Uncertain significance. Review status: criteria provided, single submitter. Criteria: ACMG Guidelines, 2015. Collection method: not provided. Allele origin: germline. Inheritance: Autosomal recessive inheritance. Affected: yes.